The following is an entry in ClinVar:

NC_000015.10:g.22698177_(23120963_23380983)del

Genes: GOLGA8S (golgin A8 family member S; plus strand), CYFIP1 (cytoplasmic FMR1 interacting protein 1; minus strand), GOLGA6L1 (golgin A6 family like 1; minus strand), GOLGA6L26 (golgin A6 family like 26; minus strand), MIR4509-1 (microRNA 4509-1; plus strand) and 19 more. Cytogenetic location: 15q11.2.
Variant type: Deletion.
Identifiers: ClinVar variation 2498204 (VCV002498204.1).

ClinVar aggregate classification (germline): Pathogenic (1 of 4 stars; one submission).

Conditions:
Chromosome 15q11.2 deletion syndrome. Identifiers: Orphanet 261183, MedGen C3180937, MONDO:0014294, OMIM 615656.

Submission:

New York Genome Center
Classification: Pathogenic for Chromosome 15q11.2 deletion syndrome. Last evaluated: 2021-03-05. Review status: criteria provided, single submitter. Criteria: NYGC Assertion Criteria 2020. Collection method: clinical testing. Allele origin: inherited. Affected: yes. Observed: 1 variant allele. Study: CSER-NYCKidSeq.
Comment: The 15q11.2 BP1-BP2 deletion identified here is an interstitial deletion on the long arm of chromosome 15. The 15q proximal region contains a cluster of low copy repeats that lead to recurrent copy number changes in this region. Deletions in this region are associated with 15q11.2 BP1-BP2 recurrent deletion syndrome.